The following is an entry in ClinVar:

NM_000071.3(CBS):c.889G>T (p.Glu297Ter)

Gene: CBS (cystathionine beta-synthase; minus strand). Cytogenetic location: 21q22.3.
Variant type: single nucleotide variant.
Coding change: c.889G>T on transcript NM_000071.3 (MANE Select); coding-DNA position 889, G replaced by T.
Protein change: p.Glu297Ter; replaces glutamic acid 297 with a stop codon.
Molecular consequence: nonsense.
Genome position (GRCh38, 1-based): chr21:43,063,018, C>A on the plus strand (G>T on the coding strand, the complement: CBS is on the minus strand). VCF-style: chr21-43063018-C-A. GRCh37 (hg19) VCF-style: chr21-44483128-C-A.
Other names: c.889G>T, p.Glu297Ter (NM_001178008.3, NM_001178009.3, NM_001320298.2); c.574G>T, p.Glu192Ter (NM_001321072.1); short protein forms E192*, E297*.
Identifiers: ClinVar variation 2680414 (VCV002680414.4), dbSNP rs1298089659, ClinGen allele CA410600070.

ClinVar aggregate classification (germline): Pathogenic/Likely pathogenic. Review status: criteria provided, multiple submitters, no conflicts (2 of 4 stars). 2 submissions from 2 submitters: Pathogenic (1); Likely pathogenic (1). Last evaluated 2024-08-12.

Conditions:
HYPERHOMOCYSTEINEMIA, THROMBOTIC, CBS-RELATED. Identifiers: MedGen C3150344, OMIM 236200.
Classic homocystinuria. Also called: Homocystinuria due to CBS deficiency; Cystathionine beta-synthase deficiency; CBS deficiency; HOMOCYSTINURIA WITH OR WITHOUT RESPONSE TO PYRIDOXINE; Homocystinuria due to Cystathionine Beta-Synthase Deficiency. Identifiers: Orphanet 394, MedGen C0751202, MONDO:0009352, OMIM 236200.

Submissions (2):

Labcorp Genetics (formerly Invitae), Labcorp
Classification: Pathogenic for HYPERHOMOCYSTEINEMIA, THROMBOTIC, CBS-RELATED. Last evaluated: 2024-08-12. Review status: criteria provided, single submitter. Criteria: Invitae Variant Classification Sherloc (09022015). Collection method: clinical testing. Allele origin: germline.
Comment: This sequence change creates a premature translational stop signal (p.Glu297*) in the CBS gene. It is expected to result in an absent or disrupted protein product. Loss-of-function variants in CBS are known to be pathogenic (PMID: 10338090, 12124992). This variant is present in population databases (no rsID available, gnomAD 0.0009%). This variant has not been reported in the literature in individuals affected with CBS-related conditions. For these reasons, this variant has been classified as Pathogenic.

Baylor Genetics
Classification: Likely pathogenic for Classic homocystinuria. Last evaluated: 2023-01-18. Review status: criteria provided, single submitter. Criteria: ACMG Guidelines, 2015. Collection method: clinical testing. Allele origin: unknown.

Literature cited by the submitters: PubMed 10338090 (cited by Labcorp Genetics (formerly Invitae), Labcorp); PubMed 12124992 (cited by Labcorp Genetics (formerly Invitae), Labcorp).